The following is an entry in ClinVar:

NM_001754.5(RUNX1):c.463G>C (p.Val155Leu)

Genes: RUNX1 (RUNX family transcription factor 1; minus strand), RUNX1-AS1 (RUNX1 antisense RNA 1; plus strand). Cytogenetic location: 21q22.12.
Variant type: single nucleotide variant.
Coding change: c.463G>C on transcript NM_001754.5 (MANE Select); coding-DNA position 463, G replaced by C.
Protein change: p.Val155Leu; replaces valine 155 with leucine.
Molecular consequence: missense variant.
Genome position (GRCh38, 1-based): chr21:34,880,602, C>G on the plus strand (G>C on the coding strand, the complement: RUNX1 is on the minus strand). VCF-style: chr21-34880602-C-G. GRCh37 (hg19) VCF-style: chr21-36252899-C-G.
Other names: NM_001754.5(RUNX1):c.463G>C; p.Val155Leu; c.382G>C, p.Val128Leu (NM_001001890.3, NM_001122607.2); c.463G>C (NM_001754.4); short protein forms V128L, V155L.
Identifiers: ClinVar variation 1401789 (VCV001401789.11), dbSNP rs763464804, ClinGen allele CA10014508.

ClinVar aggregate classification (germline): Uncertain significance. Review status: reviewed by expert panel (3 of 4 stars). 3 submissions from 3 submitters: Uncertain significance (1). 2 of the submissions do not count toward it. Last evaluated 2024-07-11.

Conditions:
Inborn genetic diseases. Identifiers: MedGen C0950123, MeSH D030342.
Hereditary thrombocytopenia and hematologic cancer predisposition syndrome. Identifiers: Orphanet 71290, MedGen CN281654, MONDO:0011071.
Hereditary thrombocytopenia and hematological cancer predisposition syndrome associated with RUNX1. Also called: Familial Platelet Disorder with Propensity to Acute Myelogenous Leukemia; Familial thrombocytopenia with propensity to acute myelogenous leukemia; PLATELET DISORDER, ASPIRIN-LIKE; RUNX1 Familial Platelet Disorder with Associated Myeloid Malignancies. Identifiers: Orphanet 71290, MedGen C1832388, MeSH C563324, MONDO:0100083, OMIM 601399.

Allele frequency attached by ClinVar (database versions not stated): gnomAD exomes below 0.00001 and 0.00001; ExAC 0.00002.
gnomAD v4.1: 7 of 1,614,106 alleles (0.00043%); highest among the groups gnomAD compares: South Asian, 0.0077%; no homozygotes.

Submissions (3):

ClinGen Myeloid Malignancy Variant Curation Expert Panel
Classification: Uncertain significance for Hereditary thrombocytopenia and hematologic cancer predisposition syndrome. Last evaluated: 2024-07-11. Review status: reviewed by expert panel. Criteria: ClinGen MyeloMalig ACMG Specifications v2. Collection method: curation. Allele origin: germline. Inheritance: Autosomal dominant inheritance.
Comment: NM_001754.5(RUNX1):c.463G>C (p.Val155Leu) is a missense variant which is located in the Runt Homology Domain, but does not occur at an established hotspot residue (PM1_supporting). Multiple lines of computational evidence supports a deleterious effect on the gene (REVEL: 0.904, phyloP100way: 7.568) (PP3). In summary, the clinical significance of this variant is uncertain due to insufficient evidence. ACMG/AMP criteria applied, as specified by the Myeloid Malignancy Variant Curation Expert Panel for RUNX1: PP3, PM1_supporting.

Ambry Genetics
Classification: Uncertain significance for Inborn genetic diseases. Last evaluated: 2025-02-01. Review status: criteria provided, single submitter. Criteria: Ambry Variant Classification Scheme 2023. Collection method: clinical testing. Allele origin: germline. Not counted in ClinVar's aggregate classification.
Comment: The p.V155L variant (also known as c.463G>C), located in coding exon 4 of the RUNX1 gene, results from a G to C substitution at nucleotide position 463. The valine at codon 155 is replaced by leucine, an amino acid with highly similar properties. This amino acid position is conserved. In addition, this alteration is predicted to be deleterious by in silico analysis. Based on the available evidence, the clinical significance of this variant remains unclear.

Labcorp Genetics (formerly Invitae), Labcorp
Classification: Uncertain significance for Hereditary thrombocytopenia and hematological cancer predisposition syndrome associated with RUNX1. Last evaluated: 2023-07-17. Review status: criteria provided, single submitter. Criteria: Invitae Variant Classification Sherloc (09022015). Collection method: clinical testing. Allele origin: germline. Not counted in ClinVar's aggregate classification.
Comment: This sequence change replaces valine, which is neutral and non-polar, with leucine, which is neutral and non-polar, at codon 155 of the RUNX1 protein (p.Val155Leu). In summary, the available evidence is currently insufficient to determine the role of this variant in disease. Therefore, it has been classified as a Variant of Uncertain Significance. Advanced modeling of protein sequence and biophysical properties (such as structural, functional, and spatial information, amino acid conservation, physicochemical variation, residue mobility, and thermodynamic stability) performed at Invitae indicates that this missense variant is expected to disrupt RUNX1 protein function. ClinVar contains an entry for this variant (Variation ID: 1401789). This variant has not been reported in the literature in individuals affected with RUNX1-related conditions. This variant is present in population databases (rs763464804, gnomAD 0.006%).